The following is an entry in ClinVar:

ClinVar aggregate classification (germline): Uncertain significance (1 of 4 stars; one submission).

Submission:

GeneDx
Classification: Uncertain significance. Last evaluated: 2024-07-07. Review status: criteria provided, single submitter. Criteria: GeneDx Variant Classification Process June 2021. Collection method: clinical testing. Allele origin: germline. Affected: yes.
Comment: Not observed at significant frequency in large population cohorts (gnomAD); In silico analysis indicates that this missense variant does not alter protein structure/function; Has not been previously published as pathogenic or benign to our knowledge

NM_014927.5(CNKSR2):c.2587A>G (p.Ser863Gly)

Gene: CNKSR2 (connector enhancer of kinase suppressor of Ras 2; plus strand). Cytogenetic location: Xp22.12.
Variant type: single nucleotide variant.
Coding change: c.2587A>G on transcript NM_014927.5 (MANE Select); coding-DNA position 2587, A replaced by G.
Protein change: p.Ser863Gly; replaces serine 863 with glycine.
Molecular consequence: missense variant.
Genome position (GRCh38, 1-based): chrX:21,609,512, A>G. VCF-style: chrX-21609512-A-G. GRCh37 (hg19) VCF-style: chrX-21627630-A-G.
Other names: c.2497A>G, p.Ser833Gly (NM_001168647.3, NM_001330773.2); c.2587A>G, p.Ser863Gly (NM_001168648.3); c.2440A>G, p.Ser814Gly (NM_001168649.3, NM_001330770.2); c.2350A>G, p.Ser784Gly (NM_001330771.2, NM_001330772.2); short protein forms S814G, S833G, S863G, S784G.
Identifiers: ClinVar variation 3572628 (VCV003572628.1).